The following is an entry in ClinVar:

NM_006767.4(LZTR1):c.851G>T (p.Arg284Leu)

Gene: LZTR1 (leucine zipper like post translational regulator 1; plus strand). Cytogenetic location: 22q11.21.
Variant type: single nucleotide variant.
Coding change: c.851G>T on transcript NM_006767.4 (MANE Select); coding-DNA position 851, G replaced by T.
Protein change: p.Arg284Leu; replaces arginine 284 with leucine.
Molecular consequence: missense variant.
Genome position (GRCh38, 1-based): chr22:20,991,687, G>T. VCF-style: chr22-20991687-G-T. GRCh37 (hg19) VCF-style: chr22-21345976-G-T.
Other names: short protein forms R284L.
Identifiers: ClinVar variation 4857427 (VCV004857427.1).
Genomic context (GRCh38, chr22:20,991,687, plus strand): 5'-GGTGGACACGCATCCCAACTGAACACCTGCTCCGGGGCTCCCCACCACCCCCGCAGCGGC[G>T]CTACGGGCATACCATGGTGGCCTTTGACCGCCACCTCTATGTGTTTGGGGGTGCGGCCGA-3'
Protein context (NP_006758.2, residues 274-294): LRGSPPPPQR[Arg284Leu]YGHTMVAFDR

ClinVar aggregate classification (germline): Likely pathogenic (1 of 4 stars; one submission).

Conditions:
Noonan syndrome 10 (NS10). Identifiers: Orphanet 648, MedGen C4225280, MONDO:0014693, OMIM 616564.

Submission:

Institute of Human Genetics, University of Leipzig Medical Center
Classification: Likely pathogenic for Noonan syndrome 10. Last evaluated: 2026-05-11. Review status: criteria provided, single submitter. Criteria: ACMG Guidelines, 2015. Collection method: clinical testing. Allele origin: unknown. Inheritance: Autosomal dominant inheritance. Affected: yes.
Comment: Criteria applied: PM5_STR,PM2_SUP,PP3